The following is an entry in ClinVar:

ClinVar aggregate classification (germline): Pathogenic (1 of 4 stars; one submission).

Conditions:
Familial melanoma. Also called: Hereditary melanoma; Hereditary cutaneous melanoma. Identifiers: Orphanet 618, MedGen C1512419, MONDO:0018961.

Submission:

Labcorp Genetics (formerly Invitae), Labcorp
Classification: Pathogenic for Familial melanoma. Last evaluated: 2025-01-26. Review status: criteria provided, single submitter. Criteria: Invitae Variant Classification Sherloc (09022015). Collection method: clinical testing. Allele origin: germline.
Comment: This sequence change creates a premature translational stop signal (p.Ser56Argfs*80) in the CDKN2A (p16INK4a) gene. It is expected to result in an absent or disrupted protein product. Loss-of-function variants in CDKN2A (p16INK4a) are known to be pathogenic (PMID: 15146471, 16905682). This variant is not present in population databases (gnomAD no frequency). This premature translational stop signal has been observed in individual(s) with melanoma (PMID: 15173226). This variant is also known as c.211_241del (p.Arg71Glyfs*91) in CDKN2A (p14ARF) transcript. For these reasons, this variant has been classified as Pathogenic.

Literature cited by the submitters: PubMed 15146471; PubMed 16905682; PubMed 15173226.

NM_000077.5(CDKN2A):c.168_198del (p.Ser56fs)

Gene: CDKN2A (cyclin dependent kinase inhibitor 2A; minus strand). Cytogenetic location: 9p21.3.
Variant type: Deletion.
Coding change: c.168_198del on transcript NM_000077.5; coding-DNA positions 168 to 198, 31 bases deleted.
Protein change: p.Ser56fs; shifts the reading frame from serine 56.
Molecular consequence: frameshift variant (on NM_000077.6). On other transcripts: 3 prime UTR variant (1).
Genome position (GRCh38, 1-based): chr9:21,971,161-21,971,191, 31 bases deleted. GRCh37 (hg19): chr9:21,971,160-21,971,190.
Other names: c.168_198del31, p.Ser56Argfs (NM_000077.6); c.168_198del, p.Ser56fs (NM_001195132.2); c.15_45del, p.Ser5fs (NM_001363763.2); c.211_241del, p.Arg71fs (NM_058195.4); c.*91_*121del (NM_058197.5); short protein forms R71fs, S56fs, S5fs.
Identifiers: ClinVar variation 3657748 (VCV003657748.2).
Genomic context (GRCh38, chr9:21,971,160, plus strand): 5'-GGGCAGCGTCGTGCACGGGTCGGGTGAGAGTGGCGGGGTCGGCGCAGTTGGGCTCCGCGC[CGTGGAGCAGCAGCAGCTCCGCCACTCGGGCG>C]CTGCCCATCATCATGACCTGCCAGAGAGAACAGAATGGTCAGAGCCAGGGTGGGGGCCGG-3'